The following is an entry in ClinVar:

ClinVar aggregate classification (germline): Uncertain significance. Review status: criteria provided, multiple submitters, no conflicts (2 of 4 stars). 3 submissions from 3 submitters: Uncertain significance (3). Last evaluated 2025-01-18.

Conditions:
Hereditary intrinsic factor deficiency (IFD). Also called: PERNICIOUS ANEMIA, CONGENITAL, DUE TO DEFECT OF INTRINSIC FACTOR; Congenital intrinsic factor deficiency. Identifiers: Orphanet 332, MedGen C2062370, MONDO:0009852, OMIM 261000.

Allele frequency attached by ClinVar (database versions not stated): gnomAD exomes below 0.00001.

Submissions (3):

Ambry Genetics
Classification: Uncertain significance. Last evaluated: 2025-01-18. Review status: criteria provided, single submitter. Criteria: Ambry Variant Classification Scheme 2023. Collection method: clinical testing. Allele origin: germline.

Labcorp Genetics (formerly Invitae), Labcorp
Classification: Uncertain significance for Hereditary intrinsic factor deficiency. Last evaluated: 2022-08-22. Review status: criteria provided, single submitter. Criteria: Invitae Variant Classification Sherloc (09022015). Collection method: clinical testing. Allele origin: germline.
Comment: In summary, the available evidence is currently insufficient to determine the role of this variant in disease. Therefore, it has been classified as a Variant of Uncertain Significance. Algorithms developed to predict the effect of missense changes on protein structure and function (SIFT, PolyPhen-2, Align-GVGD) all suggest that this variant is likely to be disruptive. ClinVar contains an entry for this variant (Variation ID: 305036). This variant has not been reported in the literature in individuals affected with GIF-related conditions. This variant is not present in population databases (gnomAD no frequency). This sequence change replaces methionine, which is neutral and non-polar, with threonine, which is neutral and polar, at codon 175 of the GIF protein (p.Met175Thr).

Illumina Laboratory Services, Illumina
Classification: Uncertain significance for Hereditary intrinsic factor deficiency. Last evaluated: 2018-01-13. Review status: criteria provided, single submitter. Criteria: ICSL Variant Classification Criteria 13 December 2019. Collection method: clinical testing. Allele origin: germline.

NM_005142.3(CBLIF):c.524T>C (p.Met175Thr)

Gene: CBLIF (cobalamin binding intrinsic factor; minus strand). Cytogenetic location: 11q12.1.
Variant type: single nucleotide variant.
Coding change: c.524T>C on transcript NM_005142.3 (MANE Select); coding-DNA position 524, T replaced by C.
Protein change: p.Met175Thr; replaces methionine 175 with threonine.
Molecular consequence: missense variant.
Genome position (GRCh38, 1-based): chr11:59,841,312, A>G on the plus strand (T>C on the coding strand, the complement: CBLIF is on the minus strand). VCF-style: chr11-59841312-A-G. GRCh37 (hg19) VCF-style: chr11-59608785-A-G.
Other names: short protein forms M175T.
Identifiers: ClinVar variation 305036 (VCV000305036.10), dbSNP rs886048404, ClinGen allele CA10639427.